The following is an entry in ClinVar:

NM_177438.3(DICER1):c.3269+5G>A

Gene: DICER1 (dicer 1, ribonuclease III; minus strand). Cytogenetic location: 14q32.13.
Variant type: single nucleotide variant.
Coding change: c.3269+5G>A on transcript NM_177438.3 (MANE Select); 5 bases into the intron after coding-DNA position 3269, G replaced by A.
Molecular consequence: intron variant.
Genome position (GRCh38, 1-based): chr14:95,105,066, C>T on the plus strand (G>A on the coding strand, the complement: DICER1 is on the minus strand). VCF-style: chr14-95105066-C-T. GRCh37 (hg19) VCF-style: chr14-95571403-C-T.
Other names: c.3269+5G>A (NM_001291628.2, NM_030621.4, NM_001271282.3 and 1 more transcripts).
Identifiers: ClinVar variation 1359591 (VCV001359591.7), dbSNP rs2139985060, ClinGen allele CA2573150359.

ClinVar aggregate classification (germline): Uncertain significance (1 of 4 stars; one submission).

Conditions:
DICER1-related tumor predisposition. Also called: DICER1 syndrome; DICER1-related pleuropulmonary blastoma cancer predisposition syndrome. Identifiers: Orphanet 284343, MedGen C3839822, MONDO:0100216.

Submission:

Labcorp Genetics (formerly Invitae), Labcorp
Classification: Uncertain significance for DICER1-related tumor predisposition. Last evaluated: 2021-06-06. Review status: criteria provided, single submitter. Criteria: Invitae Variant Classification Sherloc (09022015). Collection method: clinical testing. Allele origin: germline.
Comment: This variant has not been reported in the literature in individuals with DICER1-related conditions. This variant is not present in population databases (ExAC no frequency). This sequence change falls in intron 20 of the DICER1 gene. It does not directly change the encoded amino acid sequence of the DICER1 protein. It affects a nucleotide within the consensus splice site of the intron. Nucleotide substitutions within the consensus splice site are a relatively common cause of aberrant splicing (PMID: 17576681, 9536098). Algorithms developed to predict the effect of sequence changes on RNA splicing suggest that this variant may disrupt the consensus splice site, but this prediction has not been confirmed by published transcriptional studies. In summary, the available evidence is currently insufficient to determine the role of this variant in disease. Therefore, it has been classified as a Variant of Uncertain Significance.

Literature cited by the submitters: PubMed 17576681; PubMed 9536098.